The following is an entry in ClinVar:

NM_005677.4(COLQ):c.107-19G>A

Gene: COLQ (collagen like tail subunit of asymmetric acetylcholinesterase; minus strand). Cytogenetic location: 3p25.1.
Variant type: single nucleotide variant.
Coding change: c.107-19G>A on transcript NM_005677.4 (MANE Select); 19 bases into the intron before coding-DNA position 107, G replaced by A.
Molecular consequence: intron variant.
Genome position (GRCh38, 1-based): chr3:15,489,656, C>T on the plus strand (G>A on the coding strand, the complement: COLQ is on the minus strand). VCF-style: chr3-15489656-C-T. GRCh37 (hg19) VCF-style: chr3-15531163-C-T.
Other names: c.107-19G>A (NM_080539.4); c.77-19G>A (NM_080538.2).
Identifiers: ClinVar variation 259849 (VCV000259849.11), dbSNP rs200529572, ClinGen allele CA2276329.

ClinVar aggregate classification (germline): Benign/Likely benign. Review status: criteria provided, multiple submitters, no conflicts (2 of 4 stars). 5 submissions from 5 submitters: Benign (1); Likely benign (4). Last evaluated 2026-01-27.

Conditions:
Congenital myasthenic syndrome 5. Identifiers: Orphanet 590, MedGen C1864233, MONDO:0011281, OMIM 603034.

Allele frequency attached by ClinVar (database versions not stated): 1000 Genomes Project 30x 0.00031; 1000 Genomes Project 0.00040; gnomAD 0.00125 and 0.00141; TOPMed 0.00150; ESP Exome Variant Server 0.00154; gnomAD exomes 0.00169 and 0.00223; ExAC 0.00218.
gnomAD v4.1: 3,426 of 1,610,092 alleles (0.21%); highest among the groups gnomAD compares: Non-Finnish European, 0.25%; 5 homozygotes.

Submissions (5):

Labcorp Genetics (formerly Invitae), Labcorp
Classification: Benign for Congenital myasthenic syndrome 5. Last evaluated: 2026-01-27. Review status: criteria provided, single submitter. Criteria: Invitae Variant Classification Sherloc (09022015). Collection method: clinical testing. Allele origin: germline.

Blueprint Genetics
Classification: Likely benign. Last evaluated: 2024-10-31. Review status: criteria provided, single submitter. Criteria: ACMG Guidelines, 2015. Collection method: clinical testing. Allele origin: germline.

GeneDx
Classification: Likely benign. Last evaluated: 2016-06-29. Review status: criteria provided, single submitter. Criteria: GeneDx Variant Classification (06012015). Collection method: clinical testing. Allele origin: germline. Affected: yes.
Comment: This variant is considered likely benign or benign based on one or more of the following criteria: it is a conservative change, it occurs at a poorly conserved position in the protein, it is predicted to be benign by multiple in silico algorithms, and/or has population frequency not consistent with disease.

Breakthrough Genomics
Classification: Likely benign. Review status: criteria provided, single submitter. Criteria: ACMG Guidelines, 2015. Collection method: not provided. Allele origin: germline. Inheritance: Autosomal recessive inheritance. Affected: yes.

PreventionGenetics, part of Exact Sciences
Classification: Likely benign. Review status: criteria provided, single submitter. Criteria: ACMG Guidelines, 2015. Collection method: clinical testing. Allele origin: germline.